The following is an entry in ClinVar:

NM_001267550.2(TTN):c.87970A>G (p.Ser29324Gly)

Genes: TTN (titin; minus strand), TTN-AS1 (TTN antisense RNA 1; plus strand). Cytogenetic location: 2q31.2.
Variant type: single nucleotide variant.
Coding change: c.87970A>G on transcript NM_001267550.2 (MANE Select); coding-DNA position 87970, A replaced by G.
Protein change: p.Ser29324Gly; replaces serine 29324 with glycine.
Molecular consequence: missense variant.
Genome position (GRCh38, 1-based): chr2:178,557,292, T>C on the plus strand (A>G on the coding strand, the complement: TTN is on the minus strand). VCF-style: chr2-178557292-T-C. GRCh37 (hg19) VCF-style: chr2-179422019-T-C.
Other names: c.83047A>G, p.Ser27683Gly (NM_001256850.1); c.60775A>G, p.Ser20259Gly (NM_003319.4); c.80266A>G, p.Ser26756Gly (NM_133378.4); c.61150A>G, p.Ser20384Gly (NM_133432.3); c.61351A>G, p.Ser20451Gly (NM_133437.4); short protein forms S20259G, S20384G, S20451G, S26756G, S27683G, S29324G.
Identifiers: ClinVar variation 2651597 (VCV002651597.24), dbSNP rs2469522551, ClinGen allele CA349532723.
Genomic context (GRCh38, chr2:178,557,292, plus strand): 5'-CTTCCCATGACAAATACGTACCACAAGCATCAATTGCCAAGACTGGTTCAGAAGGATGGC[T>C]AGGTTTTCCAACTCCAGCAGCATTTTCTGCATACACCCTGAATTCATAAATAAGTCCAGC-3'
Protein context (NP_001254479.2, residues 29314-29334): AENAAGVGKP[Ser29324Gly]HPSEPVLAID

ClinVar aggregate classification (germline): Uncertain significance (1 of 4 stars; one submission).

Submission:

CeGaT Center for Human Genetics Tuebingen
Classification: Uncertain significance. Last evaluated: 2023-05-01. Review status: criteria provided, single submitter. Criteria: CeGaT Center For Human Genetics Tuebingen Variant Classification Criteria Version 2. Collection method: clinical testing. Allele origin: germline. Affected: yes. Observed: 1 variant allele.
Comment: TTN: PM2